The following is an entry in ClinVar:

NM_002474.3(MYH11):c.2704C>G (p.Leu902Val)

Gene: MYH11 (myosin heavy chain 11; minus strand). Cytogenetic location: 16p13.11.
Variant type: single nucleotide variant.
Coding change: c.2704C>G on transcript NM_002474.3 (MANE Select); coding-DNA position 2704, C replaced by G.
Protein change: p.Leu902Val; replaces leucine 902 with valine.
Molecular consequence: missense variant.
Genome position (GRCh38, 1-based): chr16:15,741,618, G>C on the plus strand (C>G on the coding strand, the complement: MYH11 is on the minus strand). VCF-style: chr16-15741618-G-C. GRCh37 (hg19) VCF-style: chr16-15835475-G-C.
Other names: c.2725C>G, p.Leu909Val (NM_001040113.2, NM_001040114.2); c.2704C>G, p.Leu902Val (NM_022844.3); short protein forms L902V, L909V.
Identifiers: ClinVar variation 1320868 (VCV001320868.2), dbSNP rs2151250600, ClinGen allele CA394865621.
Genomic context (GRCh38, chr16:15,741,618, plus strand): 5'-CCTCCAGCTCCTGCTTCTTGGCCGCCAGCCGCACCCGCATCTCCTCAGCCTCTGCATACA[G>C]CTCTGTCTCTGCCTGCAGCTGTTCCTGTAGCAGGTTCTTCTCCTCGGTCAGCTGCACGCA-3'
Protein context (NP_002465.1, residues 892-912): LQEQLQAETE[Leu902Val]YAEAEEMRVR

ClinVar aggregate classification (germline): Uncertain significance (1 of 4 stars; one submission).

Submission:

GeneDx
Classification: Uncertain significance. Last evaluated: 2021-03-11. Review status: criteria provided, single submitter. Criteria: GeneDx Variant Classification Process June 2021. Collection method: clinical testing. Allele origin: germline. Affected: yes.
Comment: Has not been previously published as pathogenic or benign to our knowledge; Not observed in large population cohorts (Lek et al., 2016); In silico analysis supports that this missense variant has a deleterious effect on protein structure/function